The following is an entry in ClinVar:

ClinVar aggregate classification (germline): Uncertain significance (1 of 4 stars; one submission).

Conditions:
Juvenile polyposis syndrome (JPS). Identifiers: Orphanet 2929, MedGen C0345893, MONDO:0017380, OMIM 174900.

Submission:

Labcorp Genetics (formerly Invitae), Labcorp
Classification: Uncertain significance for Juvenile polyposis syndrome. Last evaluated: 2022-04-12. Review status: criteria provided, single submitter. Criteria: Invitae Variant Classification Sherloc (09022015). Collection method: clinical testing. Allele origin: germline.
Comment: In summary, the available evidence is currently insufficient to determine the role of this variant in disease. Therefore, it has been classified as a Variant of Uncertain Significance. Advanced modeling of protein sequence and biophysical properties (such as structural, functional, and spatial information, amino acid conservation, physicochemical variation, residue mobility, and thermodynamic stability) performed at Invitae indicates that this missense variant is not expected to disrupt SMAD4 protein function. This variant has not been reported in the literature in individuals affected with SMAD4-related conditions. This variant is not present in population databases (gnomAD no frequency). This sequence change replaces proline, which is neutral and non-polar, with serine, which is neutral and polar, at codon 298 of the SMAD4 protein (p.Pro298Ser).

NM_005359.6(SMAD4):c.892C>T (p.Pro298Ser)

Gene: SMAD4 (SMAD family member 4; plus strand). Cytogenetic location: 18q21.2.
Variant type: single nucleotide variant.
Coding change: c.892C>T on transcript NM_005359.6 (MANE Select); coding-DNA position 892, C replaced by T.
Protein change: p.Pro298Ser; replaces proline 298 with serine.
Molecular consequence: missense variant.
Genome position (GRCh38, 1-based): chr18:51,058,444, C>T. VCF-style: chr18-51058444-C-T. GRCh37 (hg19) VCF-style: chr18-48584814-C-T.
Other names: c.892C>T, p.Pro298Ser (NM_001407041.1, NM_001407042.1, NM_001407043.1); short protein forms P298S.
Identifiers: ClinVar variation 2125365 (VCV002125365.4), dbSNP rs2144429377, ClinGen allele CA402463596.